The following is an entry in ClinVar:

ClinVar aggregate classification (germline): Pathogenic (1 of 4 stars; one submission).

Conditions:
Familial intrahepatic cholestasis. Identifiers: Orphanet 284385, MedGen CN296401, MONDO:0017290.

Submission:

Genomenon, Inc
Classification: Pathogenic for Familial intrahepatic cholestasis. Last evaluated: 2026-04-14. Review status: criteria provided, single submitter. Criteria: Genomenon Sequence Variant Interpretation Standards - Updated. Collection method: curation. Allele origin: germline. Affected: yes.
Comment: ABCB11 p.Val454Ter (c.1360del) is a nonsense variant that introduces a premature stop codon at amino acid position 454, creating a truncated protein that is predicted to undergo nonsense-mediated mRNA decay. This variant has been observed in at least one proband with an ABCB11-related disorder (PMID:29973134). It is absent or not present at a significant frequency in gnomAD. In conclusion, we classify ABCB11 p.Val454Ter (c.1360del) as a pathogenic variant.

Literature cited by the submitters: PubMed 29973134.

NM_003742.4(ABCB11):c.1360del (p.Leu453_Val454insTer)

Gene: ABCB11 (ATP binding cassette subfamily B member 11; minus strand). Cytogenetic location: 2q31.1.
Variant type: Deletion.
Coding change: c.1360del on transcript NM_003742.4 (MANE Select); coding-DNA position 1360, one base deleted (G; older notation c.1360delG).
Protein change: p.Leu453_Val454insTer.
Molecular consequence: nonsense.
Genome position (GRCh38, 1-based): chr2:168,973,789, C deleted on the plus strand (G on the coding strand, the reverse complement: ABCB11 is on the minus strand); the first of 2 consecutive C bases (chr2:168,973,789-168,973,790); deleting either gives the same sequence. VCF-style (leftmost placement, unchanged base first): chr2-168973788-AC-A. GRCh37 (hg19) VCF-style: chr2-169830298-AC-A.
Identifiers: ClinVar variation 4846205 (VCV004846205.1).
Genomic context (GRCh38, chr2:168,973,788, plus strand): 5'-GGGTCATAGAATCGCTGAATGAGTTGCAGTGCTGTACTTTTTCCAGCTCCACTGGGTCCT[AC>A]CAGAGCTGTCATTTCCCCTGGTTTAATGACCATGTTGAGGTCATTTAGAATCTGGAGAAG-3'